The following is an entry in ClinVar:

NM_001369268.1(ACAN):c.7688G>A (p.Arg2563His)

Gene: ACAN (aggrecan; plus strand). Cytogenetic location: 15q26.1.
Variant type: single nucleotide variant.
Coding change: c.7688G>A on transcript NM_001369268.1 (MANE Select); coding-DNA position 7688, G replaced by A.
Protein change: p.Arg2563His; replaces arginine 2563 with histidine.
Molecular consequence: missense variant.
Genome position (GRCh38, 1-based): chr15:88,874,462, G>A. VCF-style: chr15-88874462-G-A. GRCh37 (hg19) VCF-style: chr15-89417693-G-A.
Other names: c.7277G>A, p.Arg2426His (NM_001135.4); c.7460G>A, p.Arg2487His (NM_001411096.1); c.7574G>A, p.Arg2525His (NM_001411097.1, NM_013227.4); short protein forms R2426H, R2487H, R2525H, R2563H.
Identifiers: ClinVar variation 2415128 (VCV002415128.6), dbSNP rs186576211, ClinGen allele CA7720792.

ClinVar aggregate classification (germline): Uncertain significance (1 of 4 stars; one submission).

Allele frequency attached by ClinVar (database versions not stated): TOPMed 0.00003; gnomAD exomes 0.00004; gnomAD 0.00005; ESP Exome Variant Server 0.00008; ExAC 0.00010; 1000 Genomes Project 30x 0.00016; 1000 Genomes Project 0.00020.
gnomAD v4.1: 69 of 1,604,592 alleles (0.0043%); highest among the groups gnomAD compares: Middle Eastern, 0.17%; no homozygotes.

Submission:

Labcorp Genetics (formerly Invitae), Labcorp
Classification: Uncertain significance. Last evaluated: 2025-05-23. Review status: criteria provided, single submitter. Criteria: Invitae Variant Classification Sherloc (09022015). Collection method: clinical testing. Allele origin: germline.
Comment: This sequence change replaces arginine, which is basic and polar, with histidine, which is basic and polar, at codon 2525 of the ACAN protein (p.Arg2525His). This variant is present in population databases (rs186576211, gnomAD 0.007%). This variant has not been reported in the literature in individuals affected with ACAN-related conditions. ClinVar contains an entry for this variant (Variation ID: 2415128). An algorithm developed to predict the effect of missense changes on protein structure and function outputs the following: PolyPhen-2: "Benign". The histidine amino acid residue is found in multiple mammalian species, which suggests that this missense change does not adversely affect protein function. In summary, the available evidence is currently insufficient to determine the role of this variant in disease. Therefore, it has been classified as a Variant of Uncertain Significance.